The following is an entry in ClinVar:

ClinVar aggregate classification (germline): Pathogenic (1 of 4 stars; one submission).

Conditions:
Cohen syndrome (COH1). Also called: PEPPER SYNDROME; Cutis verticis gyrata, retinitis pigmentosa, and sensorineural deafness. Identifiers: Orphanet 193, MedGen C0265223, MONDO:0008999, OMIM 216550.

Submission:

Labcorp Genetics (formerly Invitae), Labcorp
Classification: Pathogenic for Cohen syndrome. Last evaluated: 2023-08-25. Review status: criteria provided, single submitter. Criteria: Invitae Variant Classification Sherloc (09022015). Collection method: clinical testing. Allele origin: germline.
Comment: This variant has not been reported in the literature in individuals affected with VPS13B-related conditions. For these reasons, this variant has been classified as Pathogenic. This variant is not present in population databases (gnomAD no frequency). This sequence change creates a premature translational stop signal (p.Met375Cysfs*9) in the VPS13B gene. It is expected to result in an absent or disrupted protein product. Loss-of-function variants in VPS13B are known to be pathogenic (PMID: 15141358, 16648375, 20461111).

Literature cited by the submitters: PubMed 15141358; PubMed 16648375; PubMed 20461111.

NM_152564.5(VPS13B):c.1122del (p.Met375fs)

Gene: VPS13B (vacuolar protein sorting 13 homolog B; plus strand). Cytogenetic location: 8q22.2.
Variant type: Deletion.
Coding change: c.1122del on transcript NM_152564.5 (MANE Select); coding-DNA position 1122, one base deleted (C; older notation c.1122delC).
Protein change: p.Met375fs; shifts the reading frame from methionine 375.
Molecular consequence: frameshift variant. On other transcripts: non-coding transcript variant (1).
Genome position (GRCh38, 1-based): chr8:99,121,361, C deleted; the last of 2 consecutive C bases (chr8:99,121,360-99,121,361); deleting either gives the same sequence. VCF-style (leftmost placement, unchanged base first): chr8-99121359-AC-A. GRCh37 (hg19) VCF-style: chr8-100133587-AC-A.
Other names: c.1122del, p.Met375fs (NM_015243.3, NM_017890.5, NM_181661.3); short protein forms M375fs.
Identifiers: ClinVar variation 2752366 (VCV002752366.3), dbSNP rs2488710723, ClinGen allele CA2697550084.